The following is an entry in ClinVar:

ClinVar aggregate classification (germline): Pathogenic (1 of 4 stars; one submission).

Submission:

GeneDx
Classification: Pathogenic. Last evaluated: 2025-07-05. Review status: criteria provided, single submitter. Criteria: GeneDx Variant Classification Process June 2021. Collection method: clinical testing. Allele origin: germline. Affected: yes.
Comment: Frameshift variant predicted to result in protein truncation or nonsense mediated decay in a gene for which loss of function is a known mechanism of disease; Not observed at significant frequency in large population cohorts (gnomAD); Has not been previously published as pathogenic or benign to our knowledge

NM_001378609.3(OTOGL):c.2499del (p.Glu833fs)

Gene: OTOGL (otogelin like; plus strand). Cytogenetic location: 12q21.31.
Variant type: Deletion.
Coding change: c.2499del on transcript NM_001378609.3 (MANE Select); coding-DNA position 2499, one base deleted (A; older notation c.2499delA).
Protein change: p.Glu833fs; shifts the reading frame from glutamic acid 833.
Molecular consequence: frameshift variant.
Genome position (GRCh38, 1-based): chr12:80,270,135, A deleted; the last of 2 consecutive A bases (chr12:80,270,134-80,270,135); deleting either gives the same sequence. VCF-style (leftmost placement, unchanged base first): chr12-80270133-GA-G. GRCh37 (hg19) VCF-style: chr12-80663913-GA-G.
Other names: c.2499del, p.Glu833fs (NM_001368062.3, NM_001378610.3, NM_173591.7); short protein forms E833fs.
Identifiers: ClinVar variation 4055774 (VCV004055774.1).
Genomic context (GRCh38, chr12:80,270,133, plus strand): 5'-CCATAAATTAACTATTTATTTACTTCTAGCCAGTGTTCAAATGGGACTGTGAAATGTGAT[GA>G]ATTAGCAACGCCCTCTGCTGGTAAGATCTTAAAAGATGTTTTCCTGAATGAGGGTTCAGC-3'